The following is an entry in ClinVar:

NM_004586.3(RPS6KA3):c.618C>T (p.His206=)

Gene: RPS6KA3 (ribosomal protein S6 kinase A3; minus strand). Cytogenetic location: Xp22.12.
Variant type: single nucleotide variant.
Coding change: c.618C>T on transcript NM_004586.3 (MANE Select); coding-DNA position 618, C replaced by T.
Protein change: p.His206=; no amino-acid change (histidine 206 retained).
Molecular consequence: synonymous variant.
Genome position (GRCh38, 1-based): chrX:20,188,510, G>A on the plus strand (C>T on the coding strand, the complement: RPS6KA3 is on the minus strand). VCF-style: chrX-20188510-G-A. GRCh37 (hg19) VCF-style: chrX-20206628-G-A.
Other names: c.618C>T (NM_004586.2).
Identifiers: ClinVar variation 2928365 (VCV002928365.4), dbSNP rs748839680, ClinGen allele CA10366246.

ClinVar aggregate classification (germline): Benign. Review status: criteria provided, single submitter (1 of 4 stars). 2 submissions from 2 submitters: Benign (1). 1 of the submissions does not count toward it. Last evaluated 2025-02-09.

Conditions:
Intellectual developmental disorder, X-linked 19. Also called: Intellectual disability, X-linked 19. Identifiers: Orphanet 777, MedGen C0796225, MONDO:0010447, OMIM 300844.
Coffin-Lowry syndrome (CLS). Also called: COFFIN-LOWRY SYNDROME, MILD; Mental retardation with osteocartilaginous abnormalities. Identifiers: Orphanet 192, MedGen C0265252, MONDO:0010561, OMIM 303600.
RPS6KA3-related disorder. Also called: RPS6KA3-related condition.

Allele frequency attached by ClinVar (database versions not stated): gnomAD exomes 0.00001; gnomAD 0.00008; ExAC 0.00009; TOPMed 0.00009.
gnomAD v4.1: 16 of 1,016,076 alleles (0.0016%); highest among the groups gnomAD compares: African/African-American, 0.03%; no homozygotes.

Submissions (2):

Labcorp Genetics (formerly Invitae), Labcorp
Classification: Benign for Coffin-Lowry syndrome; Intellectual developmental disorder, X-linked 19. Last evaluated: 2025-02-09. Review status: criteria provided, single submitter. Criteria: Invitae Variant Classification Sherloc (09022015). Collection method: clinical testing. Allele origin: germline.

PreventionGenetics, part of Exact Sciences
Classification: Likely benign for RPS6KA3-related condition. Last evaluated: 2023-11-07. Review status: no assertion criteria provided. Collection method: clinical testing. Allele origin: germline. Not counted in ClinVar's aggregate classification.
Comment: This variant is classified as likely benign based on ACMG/AMP sequence variant interpretation guidelines (Richards et al. 2015 PMID: 25741868, with internal and published modifications).